The following is an entry in ClinVar:

NM_000090.4(COL3A1):c.1347+4A>G

Gene: COL3A1 (collagen type III alpha 1 chain; plus strand). Cytogenetic location: 2q32.2.
Variant type: single nucleotide variant.
Coding change: c.1347+4A>G on transcript NM_000090.4 (MANE Select); 4 bases into the intron after coding-DNA position 1347, A replaced by G.
Molecular consequence: intron variant.
Genome position (GRCh38, 1-based): chr2:188,994,598, A>G. VCF-style: chr2-188994598-A-G. GRCh37 (hg19) VCF-style: chr2-189859324-A-G.
Identifiers: ClinVar variation 1677759 (VCV001677759.3), dbSNP rs777467344, ClinGen allele CA538461831.

ClinVar aggregate classification (germline): Uncertain significance. Review status: criteria provided, multiple submitters, no conflicts (2 of 4 stars). 2 submissions from 2 submitters: Uncertain significance (2). Last evaluated 2022-01-04.

Allele frequency attached by ClinVar (database versions not stated): gnomAD exomes below 0.00001; TOPMed below 0.00001; gnomAD 0.00001.
gnomAD v4.1: 1 of 1,614,056 alleles (0.000062%); highest among the groups gnomAD compares: African/African-American, 0.0013%; no homozygotes.

Submissions (2):

GeneDx
Classification: Uncertain significance. Last evaluated: 2022-01-04. Review status: criteria provided, single submitter. Criteria: GeneDx Variant Classification Process June 2021. Collection method: clinical testing. Allele origin: germline. Affected: yes.
Comment: Not observed at significant frequency in large population cohorts (gnomAD); Has not been previously published as pathogenic or benign to our knowledge; In-silico analysis is inconclusive as to whether the variant alters gene splicing. In the absence of RNA/functional studies, the actual effect of this sequence change is unknown.

AiLife Diagnostics
Classification: Uncertain significance. Last evaluated: 2021-12-30. Review status: criteria provided, single submitter. Criteria: ACMG Guidelines, 2015. Collection method: clinical testing. Allele origin: germline. Affected: yes. Observed: 1 variant allele.